The following is an entry in ClinVar:

NM_000548.5(TSC2):c.4464T>A (p.Asn1488Lys)

Gene: TSC2 (TSC complex subunit 2; plus strand). Cytogenetic location: 16p13.3.
Variant type: single nucleotide variant.
Coding change: c.4464T>A on transcript NM_000548.5 (MANE Select); coding-DNA position 4464, T replaced by A.
Protein change: p.Asn1488Lys; replaces asparagine 1488 with lysine.
Molecular consequence: missense variant.
Genome position (GRCh38, 1-based): chr16:2,084,686, T>A. VCF-style: chr16-2084686-T-A. GRCh37 (hg19) VCF-style: chr16-2134687-T-A.
Other names: c.3732T>A, p.Asn1244Lys (NM_001318831.2); c.4296T>A, p.Asn1432Lys (NM_001318832.2); c.4266T>A, p.Asn1422Lys (NM_001363528.2); c.4332T>A, p.Asn1444Lys (NM_001370404.1); c.4335T>A, p.Asn1445Lys (NM_001370405.1, NM_021055.3); c.4263T>A, p.Asn1421Lys (NM_001077183.3); c.4395T>A, p.Asn1465Lys (NM_001114382.3); c.4155T>A, p.Asn1385Lys (NM_001318827.2); and 1 more; short protein forms N1244K, N1421K, N1488K, N1373K, N1422K, N1432K, N1445K, N1385K.
Identifiers: ClinVar variation 1042638 (VCV001042638.9), dbSNP rs2090541614, ClinGen allele CA394302475.

ClinVar aggregate classification (germline): Uncertain significance (1 of 4 stars; one submission).

Conditions:
Tuberous sclerosis 2 (TSC2). Identifiers: Orphanet 805, MedGen C1860707, MONDO:0013199, OMIM 613254.

Submission:

Labcorp Genetics (formerly Invitae), Labcorp
Classification: Uncertain significance for Tuberous sclerosis 2. Last evaluated: 2020-02-26. Review status: criteria provided, single submitter. Criteria: Invitae Variant Classification Sherloc (09022015). Collection method: clinical testing. Allele origin: germline.
Comment: This sequence change replaces asparagine with lysine at codon 1488 of the TSC2 protein (p.Asn1488Lys). The asparagine residue is moderately conserved and there is a moderate physicochemical difference between asparagine and lysine. This variant is not present in population databases (ExAC no frequency). This variant has not been reported in the literature in individuals with TSC2-related conditions. Algorithms developed to predict the effect of missense changes on protein structure and function (SIFT, PolyPhen-2, Align-GVGD) all suggest that this variant is likely to be tolerated, but these predictions have not been confirmed by published functional studies and their clinical significance is uncertain. In summary, the available evidence is currently insufficient to determine the role of this variant in disease. Therefore, it has been classified as a Variant of Uncertain Significance.